The following is an entry in ClinVar:

ClinVar aggregate classification (germline): Pathogenic (1 of 4 stars; one submission).

Conditions:
Hereditary angioedema type 1 (HAE1). Identifiers: Orphanet 100050, Orphanet 100051, Orphanet 91378, MedGen C2717906, MONDO:0015053, OMIM 106100.

Submission:

DNA-diagnostics Laboratory, Research Centre For Medical Genetics
Classification: Pathogenic for Hereditary angioedema type 1. Last evaluated: 2024-07-21. Review status: criteria provided, single submitter. Criteria: ACMG Guidelines, 2015. Collection method: research. Allele origin: germline. Inheritance: Autosomal dominant inheritance. Affected: yes. Observed: 2 variant alleles.
Comment: According to our observation and the published information of Gösswein et al., 2008, the c.674T>C variant in SERPING1 meets ACMG/ClinGen SVI guidance criteria to be classified as pathogenic: PP4_Str, PP3_Str, PS4_Mod, PM2_Sup, PP2

Literature cited by the submitters: PubMed 18758157.

NM_000062.3(SERPING1):c.674T>C (p.Phe225Ser)

Gene: SERPING1 (serpin family G member 1; plus strand). Cytogenetic location: 11q12.1.
Variant type: single nucleotide variant.
Coding change: c.674T>C on transcript NM_000062.3 (MANE Select); coding-DNA position 674, T replaced by C.
Protein change: p.Phe225Ser; replaces phenylalanine 225 with serine.
Molecular consequence: missense variant.
Genome position (GRCh38, 1-based): chr11:57,602,158, T>C. VCF-style: chr11-57602158-T-C. GRCh37 (hg19) VCF-style: chr11-57369631-T-C.
Other names: c.674T>C, p.Phe225Ser (NM_001032295.2); short protein forms F225S.
Identifiers: ClinVar variation 3255487 (VCV003255487.2), dbSNP rs2495431295.